The following is an entry in ClinVar:

NM_001012339.3(DNAJC21):c.648_649del (p.Arg216fs)

Gene: DNAJC21 (DnaJ heat shock protein family (Hsp40) member C21; plus strand). Cytogenetic location: 5p13.2.
Variant type: Microsatellite.
Coding change: c.648_649del on transcript NM_001012339.3 (MANE Select); coding-DNA positions 648 to 649, 2 bases deleted (AG; older notation c.648_649delAG).
Protein change: p.Arg216fs; shifts the reading frame from arginine 216.
Molecular consequence: frameshift variant.
Genome position (GRCh38, 1-based): chr5:34,937,535-34,937,536, AG deleted; deleting any 2 consecutive bases within chr5:34,937,533-34,937,536 gives the same sequence; the c. name uses the placement nearest the transcript's 3' end. VCF-style (leftmost placement, unchanged base first): chr5-34937532-AAG-A. GRCh37 (hg19) VCF-style: chr5-34937637-AAG-A.
Other names: c.648_649del, p.Arg216fs (NM_001348420.2, NM_194283.4); short protein forms R216fs.
Identifiers: ClinVar variation 2751121 (VCV002751121.3), dbSNP rs2480599117, ClinGen allele CA2578284058.

ClinVar aggregate classification (germline): Pathogenic (1 of 4 stars; one submission).

Submission:

Labcorp Genetics (formerly Invitae), Labcorp
Classification: Pathogenic. Last evaluated: 2023-08-07. Review status: criteria provided, single submitter. Criteria: Invitae Variant Classification Sherloc (09022015). Collection method: clinical testing. Allele origin: germline.
Comment: For these reasons, this variant has been classified as Pathogenic. This variant has not been reported in the literature in individuals affected with DNAJC21-related conditions. This sequence change creates a premature translational stop signal (p.Arg216Serfs*69) in the DNAJC21 gene. It is expected to result in an absent or disrupted protein product. Loss-of-function variants in DNAJC21 are known to be pathogenic (PMID: 27346687, 28062395). This variant is not present in population databases (gnomAD no frequency).

Literature cited by the submitters: PubMed 27346687; PubMed 28062395.